The following is an entry in ClinVar:

ClinVar aggregate classification (germline): Pathogenic. Review status: criteria provided, single submitter (1 of 4 stars). 2 submissions from 2 submitters: Pathogenic (1). 1 of the submissions does not count toward it. Last evaluated 2024-06-25.

Conditions:
Kabuki syndrome 1 (KABUK1). Also called: KMT2D-Related Kabuki Syndrome. Identifiers: Orphanet 2322, MedGen CN030661, MONDO:0007843, OMIM 147920.
Kabuki syndrome. Also called: Kabuki make-up syndrome; NIIKAWA-KUROKI SYNDROME. Identifiers: Orphanet 2322, MedGen C0796004, MONDO:0016512.

Submissions (2):

Labcorp Genetics (formerly Invitae), Labcorp
Classification: Pathogenic for Kabuki syndrome. Last evaluated: 2024-06-25. Review status: criteria provided, single submitter. Criteria: Invitae Variant Classification Sherloc (09022015). Collection method: clinical testing. Allele origin: germline.
Comment: This sequence change replaces cysteine, which is neutral and slightly polar, with glycine, which is neutral and non-polar, at codon 5117 of the KMT2D protein (p.Cys5117Gly). This variant is not present in population databases (gnomAD no frequency). This missense change has been observed in individual(s) with Kabuki syndrome (PMID: 27302555, 35904121; Invitae). ClinVar contains an entry for this variant (Variation ID: 981668). Advanced modeling of protein sequence and biophysical properties (such as structural, functional, and spatial information, amino acid conservation, physicochemical variation, residue mobility, and thermodynamic stability) performed at Invitae indicates that this missense variant is expected to disrupt KMT2D protein function with a positive predictive value of 95%. For these reasons, this variant has been classified as Pathogenic.

Autoinflammatory diseases unit, CHU de Montpellier
Classification: Pathogenic for Kabuki syndrome 1. Last evaluated: 2014-04-28. Review status: no assertion criteria provided. Collection method: clinical testing. Allele origin: de novo. Affected: yes. Not counted in ClinVar's aggregate classification.

Literature cited by the submitters: PubMed 27302555 (cited by Labcorp Genetics (formerly Invitae), Labcorp); PubMed 35904121 (cited by Labcorp Genetics (formerly Invitae), Labcorp).

NM_003482.4(KMT2D):c.15349T>G (p.Cys5117Gly)

Gene: KMT2D (lysine methyltransferase 2D; minus strand). Cytogenetic location: 12q13.12.
Variant type: single nucleotide variant.
Coding change: c.15349T>G on transcript NM_003482.4 (MANE Select); coding-DNA position 15349, T replaced by G.
Protein change: p.Cys5117Gly; replaces cysteine 5117 with glycine.
Molecular consequence: missense variant.
Genome position (GRCh38, 1-based): chr12:49,026,617, A>C on the plus strand (T>G on the coding strand, the complement: KMT2D is on the minus strand). VCF-style: chr12-49026617-A-C. GRCh37 (hg19) VCF-style: chr12-49420400-A-C.
Other names: short protein forms C5117G.
Identifiers: ClinVar variation 981668 (VCV000981668.4), dbSNP rs1942604482, ClinGen allele CA384688562.
Genomic context (GRCh38, chr12:49,026,617, plus strand): 5'-TATGCATTGGACACAGCATGGTCTTGTCCTTGAAGAACATGCACTTGGCACGGATGGCAC[A>C]AGCAAAATGGTAGACATTGGGGCAACGCATGCGATTGCAGCTGCTGGTGGCACCAGTTCG-3'
Protein context (NP_003473.3, residues 5107-5127): MRCPNVYHFA[Cys5117Gly]AIRAKCMFFK